The following is an entry in ClinVar:

NM_000138.5(FBN1):c.6735C>A (p.Cys2245Ter)

Gene: FBN1 (fibrillin 1; minus strand). Cytogenetic location: 15q21.1.
Variant type: single nucleotide variant.
Coding change: c.6735C>A on transcript NM_000138.5 (MANE Select); coding-DNA position 6735, C replaced by A.
Protein change: p.Cys2245Ter; replaces cysteine 2245 with a stop codon.
Molecular consequence: nonsense.
Genome position (GRCh38, 1-based): chr15:48,432,870, G>T on the plus strand (C>A on the coding strand, the complement: FBN1 is on the minus strand). VCF-style: chr15-48432870-G-T. GRCh37 (hg19) VCF-style: chr15-48725067-G-T.
Other names: short protein forms C2245*.
Identifiers: ClinVar variation 853202 (VCV000853202.9), dbSNP rs2043034543, ClinGen allele CA392333182.

ClinVar aggregate classification (germline): Pathogenic (1 of 4 stars; one submission).

Conditions:
Familial thoracic aortic aneurysm and aortic dissection (TAAD). Also called: Thoracic aortic aneurysms and dissections. Identifiers: Orphanet 91387, MedGen C4707243, MONDO:0019625.
Marfan syndrome (MFS). Also called: FBN1-Related Marfan Syndrome; Marfan's syndrome; MARFAN SYNDROME, TYPE I; Marfan syndrome type 1; Marfan syndrome, classic. Identifiers: Orphanet 284963, Orphanet 558, MedGen C0024796, MONDO:0007947, OMIM 154700.

Submission:

Labcorp Genetics (formerly Invitae), Labcorp
Classification: Pathogenic for Marfan syndrome; Familial thoracic aortic aneurysm and aortic dissection. Last evaluated: 2019-12-31. Review status: criteria provided, single submitter. Criteria: Invitae Variant Classification Sherloc (09022015). Collection method: clinical testing. Allele origin: germline.
Comment: This sequence change creates a premature translational stop signal (p.Cys2245*) in the FBN1 gene. It is expected to result in an absent or disrupted protein product. This variant is not present in population databases (ExAC no frequency). This variant has been observed in individual(s) with Marfan syndrome (PMID: 25101912). Loss-of-function variants in FBN1 are known to be pathogenic (PMID: 17657824, 19293843). For these reasons, this variant has been classified as Pathogenic.

Literature cited by the submitters: PubMed 25101912; PubMed 17657824; PubMed 19293843.